The following is an entry in ClinVar:

NM_000260.4(MYO7A):c.913A>G (p.Met305Val)

Gene: MYO7A (myosin VIIA; plus strand). Cytogenetic location: 11q13.5.
Variant type: single nucleotide variant.
Coding change: c.913A>G on transcript NM_000260.4 (MANE Select); coding-DNA position 913, A replaced by G.
Protein change: p.Met305Val; replaces methionine 305 with valine.
Molecular consequence: missense variant.
Genome position (GRCh38, 1-based): chr11:77,158,340, A>G. VCF-style: chr11-77158340-A-G. GRCh37 (hg19) VCF-style: chr11-76869386-A-G.
Other names: c.913A>G, p.Met305Val (NM_001127180.2); c.880A>G, p.Met294Val (NM_001369365.1); short protein forms M294V, M305V.
Identifiers: ClinVar variation 1430808 (VCV001430808.6), dbSNP rs1555065783, ClinGen allele CA381932989.
Genomic context (GRCh38, chr11:77,158,340, plus strand): 5'-AACTGCATAACCTGTGAGGGCCGGGTGGACAGCCAGGAGTACGCCAACATCCGCTCCGCC[A>G]TGAAGGTGCTCATGTTCACTGACACCGAGAACTGGGAGATCTCGAAGCTCCTGGCTGCCA-3'
Protein context (NP_000251.3, residues 295-315): SQEYANIRSA[Met305Val]KVLMFTDTEN

ClinVar aggregate classification (germline): Uncertain significance. Review status: criteria provided, multiple submitters, no conflicts (2 of 4 stars). 2 submissions from 2 submitters: Uncertain significance (2). Last evaluated 2024-06-10.

Allele frequency attached by ClinVar (database versions not stated): gnomAD exomes below 0.00001 and 0.00001; TOPMed below 0.00001; gnomAD 0.00001.
gnomAD v4.1: 11 of 1,613,378 alleles (0.00068%); highest among the groups gnomAD compares: East Asian, 0.0022%; no homozygotes.

Submissions (2):

Blueprint Genetics
Classification: Uncertain significance. Last evaluated: 2024-06-10. Review status: criteria provided, single submitter. Criteria: ACMG Guidelines, 2015. Collection method: clinical testing. Allele origin: germline.

Labcorp Genetics (formerly Invitae), Labcorp
Classification: Uncertain significance. Last evaluated: 2022-09-13. Review status: criteria provided, single submitter. Criteria: Invitae Variant Classification Sherloc (09022015). Collection method: clinical testing. Allele origin: germline.
Comment: This sequence change replaces methionine, which is neutral and non-polar, with valine, which is neutral and non-polar, at codon 305 of the MYO7A protein (p.Met305Val). This variant is present in population databases (no rsID available, gnomAD 0.002%). This variant has not been reported in the literature in individuals affected with MYO7A-related conditions. ClinVar contains an entry for this variant (Variation ID: 1430808). Advanced modeling of protein sequence and biophysical properties (such as structural, functional, and spatial information, amino acid conservation, physicochemical variation, residue mobility, and thermodynamic stability) performed at Invitae indicates that this missense variant is not expected to disrupt MYO7A protein function. In summary, the available evidence is currently insufficient to determine the role of this variant in disease. Therefore, it has been classified as a Variant of Uncertain Significance.